The following is an entry in ClinVar:

ClinVar aggregate classification (germline): Conflicting classifications of pathogenicity. Review status: criteria provided, conflicting classifications (1 of 4 stars). 7 submissions from 7 submitters: Pathogenic (2); Likely pathogenic (2); Uncertain significance (3). Last evaluated 2026-01-20.

Conditions:
Pigmentary pallidal degeneration (NBIA1). Also called: Pantothenate Kinase-Associated Neurodegeneration; Neuroaxonal dystrophy, late infantile; Hallervorden-Spatz disease; PKAN NEUROAXONAL DYSTROPHY, JUVENILE-ONSET; Neurodegeneration with brain iron accumulation 1; HARP SYNDROME. Identifiers: Orphanet 157850, MedGen C0018523, MONDO:0009319, OMIM 234200.

Allele frequency attached by ClinVar (database versions not stated): gnomAD 0.00005 and 0.00008; TOPMed 0.00012; gnomAD exomes 0.00023; ExAC 0.00026; 1000 Genomes Project 30x 0.00031; 1000 Genomes Project 0.00040.
gnomAD v4.1: 75 of 1,614,158 alleles (0.0046%); highest among the groups gnomAD compares: East Asian, 0.16%; no homozygotes.

Submissions (7):

Labcorp Genetics (formerly Invitae), Labcorp
Classification: Pathogenic for Pigmentary pallidal degeneration. Last evaluated: 2026-01-20. Review status: criteria provided, single submitter. Criteria: Invitae Variant Classification Sherloc (09022015). Collection method: clinical testing. Allele origin: germline.
Comment: This sequence change replaces aspartic acid, which is acidic and polar, with glycine, which is neutral and non-polar, at codon 378 of the PANK2 protein (p.Asp378Gly). This variant is present in population databases (rs562740927, gnomAD 0.3%). This missense change has been observed in individual(s) with pantothenate kinase-associated neurodegeneration (PMID: 15747360, 20193558, 26828213). In at least one individual the data is consistent with being in trans (on the opposite chromosome) from a pathogenic variant. This variant is also known as p.Asp268Gly. ClinVar contains an entry for this variant (Variation ID: 225428). Invitae Evidence Modeling of protein sequence and biophysical properties (such as structural, functional, and spatial information, amino acid conservation, physicochemical variation, residue mobility, and thermodynamic stability) has been performed for this missense variant. However, the output from this modeling did not meet the statistical confidence thresholds required to predict the impact of this variant on PANK2 protein function. For these reasons, this variant has been classified as Pathogenic.

Women's Health and Genetics/Laboratory Corporation of America, LabCorp
Classification: Pathogenic for Pigmentary pallidal degeneration. Last evaluated: 2025-05-16. Review status: criteria provided, single submitter. Criteria: LabCorp Variant Classification Summary - May 2015. Collection method: clinical testing. Allele origin: germline.
Comment: Variant summary: PANK2 c.1133A>G (p.Asp378Gly) results in a non-conservative amino acid change in the encoded protein sequence. Algorithms developed to predict the effect of missense changes on protein structure and function are either unavailable or do not agree on the potential impact of this missense change. The variant allele was found at a frequency of 0.00023 in 251536 control chromosomes. This frequency is not significantly higher than estimated for a pathogenic variant in PANK2 causing Pantothenate Kinase-Associated Neurodegeneration (0.00023 vs 0.0011), allowing no conclusion about variant significance. c.1133A>G has been reported in combination with another pathogenic variant in the literature in individuals affected with Pantothenate Kinase-Associated Neurodegeneration (Zhang_2005, Wu_2009, Mak_2011, Lim_2011, Kim_2012, Pan_2020, Yang_2022) and this variant is commonly affected alleles in Chinese origin (Zhang_2005, Wu_2009, Ma_2014, Ma_208, Pan_2020). The following publications have been ascertained in the context of this evaluation (PMID: 22547525, 24868354, 22103354, 24689511, 29801903, 21198414, 32310012, 20076801, 19224615, 35246191, 15747360, 30681573). ClinVar contains an entry for this variant (Variation ID: 225428). Based on the evidence outlined above, the variant was classified as pathogenic.

GeneDx
Classification: Uncertain significance. Last evaluated: 2024-12-11. Review status: criteria provided, single submitter. Criteria: GeneDx Variant Classification Process June 2021. Collection method: clinical testing. Allele origin: germline. Affected: yes.
Comment: Reported previously in multiple patients who had a variety of symptoms including dystonia, tremors, eye of the tiger sign, and a clinical diagnosis of atypical PKAN (PMID: 15747360, 29801903, 30681573, 19224615, 26828213, 20076801, 35246191, 35462688, 37139068, 24868354, 37453004); In silico analysis supports that this missense variant has a deleterious effect on protein structure/function; This variant is associated with the following publications: (PMID: 21198414, 15747360, 32310012, 1301187, 33396642, 29962256, 20193558, 31540697, 24348190, 35180557, Choi2020[article], 35246191, 29801903, 30681573, 19224615, 26828213, 20076801, 37139068, 35462688, 24868354, 37453004)

Fulgent Genetics
Classification: Likely pathogenic for Pigmentary pallidal degeneration. Last evaluated: 2024-03-24. Review status: criteria provided, single submitter. Criteria: ACMG Guidelines, 2015. Collection method: clinical testing. Allele origin: germline.

Blueprint Genetics
Classification: Uncertain significance. Last evaluated: 2023-04-14. Review status: criteria provided, single submitter. Criteria: ACMG Guidelines, 2015. Collection method: clinical testing. Allele origin: germline.

Soonchunhyang University Bucheon Hospital, Soonchunhyang University Medical Center
Classification: Uncertain significance for Pigmentary pallidal degeneration. Last evaluated: 2016-03-18. Review status: criteria provided, single submitter. Criteria: ACMG Guidelines, 2015. Collection method: reference population. Allele origin: germline. Observed: 1 variant allele.

Juno Genomics, Hangzhou Juno Genomics, Inc
Classification: Likely pathogenic for Pigmentary pallidal degeneration. Review status: criteria provided, single submitter. Criteria: ACMG Guidelines, 2015. Collection method: clinical testing. Allele origin: germline.
Comment: Multiple lines of computational evidence support a deleterious effect on the gene or gene product.;For recessive disorders, detected in trans with a pathogenic variant.

Literature cited by the submitters: PubMed 15747360 (cited by Labcorp Genetics (formerly Invitae), Labcorp and Women's Health and Genetics/Laboratory Corporation of America, LabCorp); PubMed 20193558 (cited by Labcorp Genetics (formerly Invitae), Labcorp); PubMed 26828213 (cited by Labcorp Genetics (formerly Invitae), Labcorp); PubMed 22103354 (cited by Women's Health and Genetics/Laboratory Corporation of America, LabCorp); PubMed 24689511 (cited by Women's Health and Genetics/Laboratory Corporation of America, LabCorp); PubMed 22547525 (cited by Women's Health and Genetics/Laboratory Corporation of America, LabCorp); PubMed 24868354 (cited by Women's Health and Genetics/Laboratory Corporation of America, LabCorp); PubMed 29801903 (cited by Women's Health and Genetics/Laboratory Corporation of America, LabCorp); PubMed 21198414 (cited by Women's Health and Genetics/Laboratory Corporation of America, LabCorp); PubMed 32310012 (cited by Women's Health and Genetics/Laboratory Corporation of America, LabCorp); PubMed 20076801 (cited by Women's Health and Genetics/Laboratory Corporation of America, LabCorp); PubMed 19224615 (cited by Women's Health and Genetics/Laboratory Corporation of America, LabCorp); PubMed 30681573 (cited by Women's Health and Genetics/Laboratory Corporation of America, LabCorp); PubMed 35246191 (cited by Women's Health and Genetics/Laboratory Corporation of America, LabCorp); PubMed 1301187 (cited by Soonchunhyang University Bucheon Hospital, Soonchunhyang University Medical Center).

NM_001386393.1(PANK2):c.803A>G (p.Asp268Gly)

Gene: PANK2 (pantothenate kinase 2; plus strand). Cytogenetic location: 20p13.
Variant type: single nucleotide variant.
Coding change: c.803A>G on transcript NM_001386393.1 (MANE Select); coding-DNA position 803, A replaced by G.
Protein change: p.Asp268Gly; replaces aspartic acid 268 with glycine.
Molecular consequence: missense variant. On other transcripts: 5 prime UTR variant (1), non-coding transcript variant (1).
Genome position (GRCh38, 1-based): chr20:3,910,728, A>G. VCF-style: chr20-3910728-A-G. GRCh37 (hg19) VCF-style: chr20-3891375-A-G.
Other names: c.260A>G, p.Asp87Gly (NM_001324191.2, NM_024960.6, NM_153640.4); c.-176A>G (NM_001324193.2); c.1133A>G, p.Asp378Gly (NM_153638.4); short protein forms D378G, D87G, D268G.
Identifiers: ClinVar variation 225428 (VCV000225428.19), dbSNP rs562740927, ClinGen allele CA9750773.